The following is an entry in ClinVar:

ClinVar aggregate classification (germline): Conflicting classifications of pathogenicity. Review status: criteria provided, conflicting classifications (1 of 4 stars). 3 submissions from 2 submitters: Uncertain significance (2); Likely benign (1). Last evaluated 2025-08-14.

Conditions:
Bronchiectasis with or without elevated sweat chloride 2 (BESC2). Identifiers: Orphanet 60033, MedGen C2751666, MONDO:0013087, OMIM 613021.
Pseudohypoaldosteronism, type IB1, autosomal recessive. Also called: Pseudohypoaldosteronism, Type I, Recessive; Autosomal recessive pseudohypoaldosteronism type 1; Pseudohypoaldosteronism, Type I, Autosomal Recessive; PHA I, AUTOSOMAL RECESSIVE. Identifiers: Orphanet 171876, Orphanet 756, MedGen C5774176, MONDO:0009917, OMIM 264350.
Inborn genetic diseases. Identifiers: MedGen C0950123, MeSH D030342.

Allele frequency attached by ClinVar (database versions not stated): ExAC 0.00002; TOPMed 0.00003; gnomAD 0.00004; gnomAD exomes 0.00005.
gnomAD v4.1: 78 of 1,613,906 alleles (0.0048%); highest among the groups gnomAD compares: Non-Finnish European, 0.006%; no homozygotes.

Submissions (3):

Ambry Genetics
Classification: Uncertain significance for Inborn genetic diseases. Last evaluated: 2025-08-14. Review status: criteria provided, single submitter. Criteria: Ambry Variant Classification Scheme 2023. Collection method: clinical testing. Allele origin: germline.

Illumina Laboratory Services, Illumina
Classification: Likely benign for Bronchiectasis with or without elevated sweat chloride 2. Last evaluated: 2018-01-13. Review status: criteria provided, single submitter. Criteria: ICSL Variant Classification Criteria 13 December 2019. Collection method: clinical testing. Allele origin: germline.
Comment: This variant was observed in the ICSL laboratory as part of a predisposition screen in an ostensibly healthy population. It had not been previously curated by ICSL or reported in the Human Gene Mutation Database (HGMD: prior to June 1st, 2018), and was therefore a candidate for classification through an automated scoring system. Utilizing variant allele frequency, disease prevalence and penetrance estimates, and inheritance mode, an automated score was calculated to assess if this variant is too frequent to cause the disease. Based on the score and internal cut-off values, a variant classified as likely benign is not then subjected to further curation. The score for this variant resulted in a classification of likely benign for this disease.

Illumina Laboratory Services, Illumina
Classification: Uncertain significance for Pseudohypoaldosteronism, type IB1, autosomal recessive. Last evaluated: 2018-01-13. Review status: criteria provided, single submitter. Criteria: ICSL Variant Classification Criteria 13 December 2019. Collection method: clinical testing. Allele origin: germline.

NM_001038.6(SCNN1A):c.1805C>T (p.Ala602Val)

Gene: SCNN1A (sodium channel epithelial 1 subunit alpha; minus strand). Cytogenetic location: 12p13.31.
Variant type: single nucleotide variant.
Coding change: c.1805C>T on transcript NM_001038.6 (MANE Select); coding-DNA position 1805, C replaced by T.
Protein change: p.Ala602Val; replaces alanine 602 with valine.
Molecular consequence: missense variant.
Genome position (GRCh38, 1-based): chr12:6,348,078, G>A on the plus strand (C>T on the coding strand, the complement: SCNN1A is on the minus strand). VCF-style: chr12-6348078-G-A. GRCh37 (hg19) VCF-style: chr12-6457244-G-A.
Other names: c.1874C>T, p.Ala625Val (NM_001159575.2); c.1982C>T, p.Ala661Val (NM_001159576.2); short protein forms A625V, A602V, A661V.
Identifiers: ClinVar variation 883206 (VCV000883206.5), dbSNP rs751903373, ClinGen allele CA6405701.